The following is an entry in ClinVar:

NM_177438.3(DICER1):c.2987+4A>G

Gene: DICER1 (dicer 1, ribonuclease III; minus strand). Cytogenetic location: 14q32.13.
Variant type: single nucleotide variant.
Coding change: c.2987+4A>G on transcript NM_177438.3 (MANE Select); 4 bases into the intron after coding-DNA position 2987, A replaced by G.
Molecular consequence: intron variant.
Genome position (GRCh38, 1-based): chr14:95,106,037, T>C on the plus strand (A>G on the coding strand, the complement: DICER1 is on the minus strand). VCF-style: chr14-95106037-T-C. GRCh37 (hg19) VCF-style: chr14-95572374-T-C.
Other names: c.2987+4A>G (NM_001291628.2, NM_030621.4, NM_001271282.3 and 1 more transcripts).
Identifiers: ClinVar variation 822437 (VCV000822437.4), dbSNP rs1595373594, ClinGen allele CA915946382.

ClinVar aggregate classification (germline): Uncertain significance (1 of 4 stars; one submission).

Conditions:
Hereditary cancer-predisposing syndrome. Also called: Tumor predisposition; Hereditary Cancer Syndrome; Neoplastic Syndromes, Hereditary; Hereditary neoplastic syndrome. Identifiers: Orphanet 140162, MedGen C0027672, MeSH D009386, MONDO:0015356.

Submission:

Ambry Genetics
Classification: Uncertain significance for Hereditary cancer-predisposing syndrome. Last evaluated: 2019-12-12. Review status: criteria provided, single submitter. Criteria: Ambry Variant Classification Scheme 2023. Collection method: clinical testing. Allele origin: germline.
Comment: The c.2987+4A>G intronic variant results from an A to G substitution 4 nucleotides after coding exon 17 in the DICER1 gene. This nucleotide position is well conserved in available vertebrate species. Using the BDGP and ESEfinder splice site prediction tools, this alteration is not predicted to have any significant effect on this splice donor site; however, direct evidence is unavailable. Since supporting evidence is limited at this time, the clinical significance of this alteration remains unclear.